The following is an entry in ClinVar:

NM_138775.3(ALKBH8):c.1678A>G (p.Ile560Val)

Gene: ALKBH8 (alkB homolog 8, tRNA methyltransferase; minus strand). Cytogenetic location: 11q22.3.
Variant type: single nucleotide variant.
Coding change: c.1678A>G on transcript NM_138775.3 (MANE Select); coding-DNA position 1678, A replaced by G.
Protein change: p.Ile560Val; replaces isoleucine 560 with valine.
Molecular consequence: missense variant. On other transcripts: non-coding transcript variant (6).
Genome position (GRCh38, 1-based): chr11:107,504,975, T>C on the plus strand (A>G on the coding strand, the complement: ALKBH8 is on the minus strand). VCF-style: chr11-107504975-T-C. GRCh37 (hg19) VCF-style: chr11-107375701-T-C.
Other names: c.1678A>G, p.Ile560Val (NM_001301010.3); c.1528A>G, p.Ile510Val (NM_001378133.1); short protein forms I510V, I560V.
Identifiers: ClinVar variation 3342968 (VCV003342968.1).

ClinVar aggregate classification (germline): Uncertain significance (1 of 4 stars; one submission).

gnomAD v4.1: 3 of 1,551,772 alleles (0.00019%); highest among the groups gnomAD compares: Middle Eastern, 0.017%; no homozygotes.

Submission:

GeneDx
Classification: Uncertain significance. Last evaluated: 2023-04-10. Review status: criteria provided, single submitter. Criteria: GeneDx Variant Classification Process June 2021. Collection method: clinical testing. Allele origin: germline. Affected: yes.
Comment: Not observed at significant frequency in large population cohorts (gnomAD); In silico analysis supports that this missense variant does not alter protein structure/function; Has not been previously published as pathogenic or benign to our knowledge